The following is an entry in ClinVar:

NM_170784.3(MKKS):c.554C>T (p.Thr185Ile)

Gene: MKKS (MKKS centrosomal shuttling protein; minus strand). Cytogenetic location: 20p12.2.
Variant type: single nucleotide variant.
Coding change: c.554C>T on transcript NM_170784.3 (MANE Select); coding-DNA position 554, C replaced by T.
Protein change: p.Thr185Ile; replaces threonine 185 with isoleucine.
Molecular consequence: missense variant.
Genome position (GRCh38, 1-based): chr20:10,412,961, G>A on the plus strand (C>T on the coding strand, the complement: MKKS is on the minus strand). VCF-style: chr20-10412961-G-A. GRCh37 (hg19) VCF-style: chr20-10393609-G-A.
Other names: c.554C>T (NM_018848.2); c.554C>T, p.Thr185Ile (NM_018848.3); short protein forms T185I.
Identifiers: ClinVar variation 1496032 (VCV001496032.9), dbSNP rs1321192032, ClinGen allele CA408232855.

ClinVar aggregate classification (germline): Uncertain significance. Review status: criteria provided, multiple submitters, no conflicts (2 of 4 stars). 4 submissions from 4 submitters: Uncertain significance (3). 1 of the submissions does not count toward it. Last evaluated 2025-08-27.

Conditions:
Bardet-Biedl syndrome (BBS). Identifiers: Orphanet 110, MedGen C0752166, MONDO:0015229.
McKusick-Kaufman syndrome (MKKS). Also called: HYDROMETROCOLPOS SYNDROME; HYDROMETROCOLPOS, POSTAXIAL POLYDACTYLY, AND CONGENITAL HEART MALFORMATION. Identifiers: Orphanet 2473, MedGen C0948368, MONDO:0009367, OMIM 236700.
MKKS-related disorder. Also called: MKKS-related condition; MKKS-related disorders.
Inborn genetic diseases. Identifiers: MedGen C0950123, MeSH D030342.

Allele frequency attached by ClinVar (database versions not stated): gnomAD exomes 0.00001; gnomAD 0.00002.
gnomAD v4.1: 13 of 1,613,734 alleles (0.00081%); highest among the groups gnomAD compares: African/African-American, 0.0013%; no homozygotes.

Submissions (4):

Ambry Genetics
Classification: Uncertain significance for Inborn genetic diseases. Last evaluated: 2025-08-27. Review status: criteria provided, single submitter. Criteria: Ambry Variant Classification Scheme 2023. Collection method: clinical testing. Allele origin: germline.

Labcorp Genetics (formerly Invitae), Labcorp
Classification: Uncertain significance for McKusick-Kaufman syndrome; Bardet-Biedl syndrome. Last evaluated: 2024-10-25. Review status: criteria provided, single submitter. Criteria: Invitae Variant Classification Sherloc (09022015). Collection method: clinical testing. Allele origin: germline.
Comment: This sequence change replaces threonine, which is neutral and polar, with isoleucine, which is neutral and non-polar, at codon 185 of the MKKS protein (p.Thr185Ile). This variant is present in population databases (no rsID available, gnomAD 0.007%). This variant has not been reported in the literature in individuals affected with MKKS-related conditions. ClinVar contains an entry for this variant (Variation ID: 1496032). An algorithm developed to predict the effect of missense changes on protein structure and function outputs the following: PolyPhen-2: "Benign". The isoleucine amino acid residue is found in multiple mammalian species, which suggests that this missense change does not adversely affect protein function. In summary, the available evidence is currently insufficient to determine the role of this variant in disease. Therefore, it has been classified as a Variant of Uncertain Significance.

Blueprint Genetics
Classification: Uncertain significance. Last evaluated: 2022-08-19. Review status: criteria provided, single submitter. Criteria: ACMG Guidelines, 2015. Collection method: clinical testing. Allele origin: germline.

PreventionGenetics, part of Exact Sciences
Classification: Uncertain significance for MKKS-related condition. Last evaluated: 2024-08-21. Review status: no assertion criteria provided. Collection method: clinical testing. Allele origin: germline. Not counted in ClinVar's aggregate classification.
Comment: The MKKS c.554C>T variant is predicted to result in the amino acid substitution p.Thr185Ile. To our knowledge, this variant has not been reported in the literature. This variant is reported in 0.0062% of alleles in individuals of African descent in gnomAD. At this time, the clinical significance of this variant is uncertain due to the absence of conclusive functional and genetic evidence.